The following is an entry in ClinVar:

NM_000059.4(BRCA2):c.950del (p.Thr317fs)

Gene: BRCA2 (BRCA2 DNA repair associated; plus strand). Cytogenetic location: 13q13.1.
Variant type: Deletion.
Coding change: c.950del on transcript NM_000059.4 (MANE Select); coding-DNA position 950, one base deleted (C; older notation c.950delC).
Protein change: p.Thr317fs; shifts the reading frame from threonine 317.
Molecular consequence: frameshift variant.
Genome position (GRCh38, 1-based): chr13:32,332,428, C deleted. VCF-style (leftmost placement, unchanged base first): chr13-32332427-AC-A. GRCh37 (hg19) VCF-style: chr13-32906564-AC-A.
Other names: short protein forms T317fs.
Identifiers: ClinVar variation 1372111 (VCV001372111.6), dbSNP rs2137466181, ClinGen allele CA2573149327.

ClinVar aggregate classification (germline): Pathogenic (1 of 4 stars; one submission).

Conditions:
Hereditary breast ovarian cancer syndrome. Also called: BRCA1- and BRCA2-Associated Hereditary Breast and Ovarian Cancer; Hereditary breast and ovarian cancer; Hereditary breast and ovarian cancer syndrome; Hereditary breast and/or ovarian cancer syndrome; Hereditary breast and ovarian cancer syndrome (HBOC); Breast and ovarian cancer. Identifiers: Orphanet 145, MedGen C0677776, MeSH D061325, MONDO:0003582. Disease mechanism: loss of function.

Submission:

Labcorp Genetics (formerly Invitae), Labcorp
Classification: Pathogenic for Hereditary breast ovarian cancer syndrome. Last evaluated: 2025-12-01. Review status: criteria provided, single submitter. Criteria: Invitae Variant Classification Sherloc (09022015). Collection method: clinical testing. Allele origin: germline.
Comment: This sequence change creates a premature translational stop signal (p.Thr317Lysfs*7) in the BRCA2 gene. It is expected to result in an absent or disrupted protein product. Loss-of-function variants in BRCA2 are known to be pathogenic (PMID: 20104584). This variant is not present in population databases (gnomAD no frequency). This variant has not been reported in the literature in individuals affected with BRCA2-related conditions. ClinVar contains an entry for this variant (Variation ID: 1372111). For these reasons, this variant has been classified as Pathogenic.

Literature cited by the submitters: PubMed 20104584.